The following is an entry in ClinVar:

ClinVar aggregate classification (germline): Likely pathogenic (0 of 4 stars; one submission).

Conditions:
TRIO-related disorder. Also called: TRIO-related condition; TRIO-related disorders.

Submission:

PreventionGenetics, part of Exact Sciences
Classification: Likely pathogenic for TRIO-related condition. Last evaluated: 2024-06-29. Review status: no assertion criteria provided. Collection method: clinical testing. Allele origin: germline.
Comment: The TRIO c.3458G>A variant is predicted to result in premature protein termination (p.Trp1153*). To our knowledge, this variant has not been reported in the literature or in a large population database, indicating this variant is rare. Nonsense variants in TRIO are expected to be pathogenic. This variant is interpreted as likely pathogenic.

NM_007118.4(TRIO):c.3458G>A (p.Trp1153Ter)

Gene: TRIO (trio Rho guanine nucleotide exchange factor; plus strand). Cytogenetic location: 5p15.2.
Variant type: single nucleotide variant.
Coding change: c.3458G>A on transcript NM_007118.4 (MANE Select); coding-DNA position 3458, G replaced by A.
Protein change: p.Trp1153Ter; replaces tryptophan 1153 with a stop codon.
Molecular consequence: nonsense. On other transcripts: non-coding transcript variant (1).
Genome position (GRCh38, 1-based): chr5:14,381,140, G>A. VCF-style: chr5-14381140-G-A. GRCh37 (hg19) VCF-style: chr5-14381249-G-A.
Other names: short protein forms W1153*.
Identifiers: ClinVar variation 3347573 (VCV003347573.1).